The following is an entry in ClinVar:

NM_001793.6(CDH3):c.109A>T (p.Thr37Ser)

Genes: CDH3 (cadherin 3; plus strand), CDH3-AS1 (CDH3 antisense RNA 1; minus strand). Cytogenetic location: 16q22.1.
Variant type: single nucleotide variant.
Coding change: c.109A>T on transcript NM_001793.6 (MANE Select); coding-DNA position 109, A replaced by T.
Protein change: p.Thr37Ser; replaces threonine 37 with serine.
Molecular consequence: missense variant. On other transcripts: intron variant (1).
Genome position (GRCh38, 1-based): chr16:68,645,699, A>T. VCF-style: chr16-68645699-A-T. GRCh37 (hg19) VCF-style: chr16-68679602-A-T.
Other names: c.109A>T, p.Thr37Ser (NM_001317195.3); c.-6+275A>T (NM_001317196.2); short protein forms T37S.
Identifiers: ClinVar variation 885661 (VCV000885661.42), dbSNP rs374627741, ClinGen allele CA8128929.

ClinVar aggregate classification (germline): Conflicting classifications of pathogenicity. Review status: criteria provided, conflicting classifications (1 of 4 stars). 5 submissions from 5 submitters: Uncertain significance (1); Benign (2); Likely benign (2). Last evaluated 2026-04-01.

Conditions:
EEM syndrome (EEMS). Identifiers: Orphanet 1897, MedGen C1857041, MONDO:0009155, OMIM 225280.
Inborn genetic diseases. Identifiers: MedGen C0950123, MeSH D030342.

Allele frequency attached by ClinVar (database versions not stated): gnomAD 0.00004 and 0.00032; TOPMed 0.00011; gnomAD exomes 0.00062 and 0.00176; 1000 Genomes Project 30x 0.00203; 1000 Genomes Project 0.00240; ExAC 0.00519.
gnomAD v4.1: 919 of 1,546,242 alleles (0.059%); highest among the groups gnomAD compares: South Asian, 0.98%; 9 homozygotes.

Submissions (5):

CeGaT Center for Human Genetics Tuebingen
Classification: Benign. Last evaluated: 2026-04-01. Review status: criteria provided, single submitter. Criteria: CeGaT Center For Human Genetics Tuebingen Variant Classification Criteria Version 2. Collection method: clinical testing. Allele origin: germline. Affected: yes. Observed: 2 variant alleles.
Comment: CDH3: BS1, BS2

Labcorp Genetics (formerly Invitae), Labcorp
Classification: Benign. Last evaluated: 2025-11-25. Review status: criteria provided, single submitter. Criteria: Invitae Variant Classification Sherloc (09022015). Collection method: clinical testing. Allele origin: germline.

Blueprint Genetics
Classification: Likely benign. Last evaluated: 2024-11-25. Review status: criteria provided, single submitter. Criteria: ACMG Guidelines, 2015. Collection method: clinical testing. Allele origin: germline.

Ambry Genetics
Classification: Uncertain significance for Inborn genetic diseases. Last evaluated: 2022-11-09. Review status: criteria provided, single submitter. Criteria: Ambry Variant Classification Scheme 2023. Collection method: clinical testing. Allele origin: germline.

Illumina Laboratory Services, Illumina
Classification: Likely benign for EEM syndrome. Last evaluated: 2018-01-13. Review status: criteria provided, single submitter. Criteria: ICSL Variant Classification Criteria 13 December 2019. Collection method: clinical testing. Allele origin: germline.
Comment: This variant was observed in the ICSL laboratory as part of a predisposition screen in an ostensibly healthy population. It had not been previously curated by ICSL or reported in the Human Gene Mutation Database (HGMD: prior to June 1st, 2018), and was therefore a candidate for classification through an automated scoring system. Utilizing variant allele frequency, disease prevalence and penetrance estimates, and inheritance mode, an automated score was calculated to assess if this variant is too frequent to cause the disease. Based on the score and internal cut-off values, a variant classified as likely benign is not then subjected to further curation. The score for this variant resulted in a classification of likely benign for this disease.